The following is an entry in ClinVar:

ClinVar aggregate classification (germline): Conflicting classifications of pathogenicity. Review status: criteria provided, conflicting classifications (1 of 4 stars). 3 submissions from 3 submitters: Likely pathogenic (1); Uncertain significance (2). Last evaluated 2025-04-21.

Conditions:
Autosomal dominant ACTC1-related disorders.
Hypertrophic cardiomyopathy 11. Also called: ACTC1-Related Familial Hypertrophic Cardiomyopathy. Identifiers: MedGen C2677506, MONDO:0012799, OMIM 612098.
Dilated cardiomyopathy 1R (CMD1R). Identifiers: Orphanet 154, Orphanet 54260, MedGen C3150681, MONDO:0013261, OMIM 613424.
Atrial septal defect 5 (ASD5). Identifiers: Orphanet 1478, MedGen C2748552, MONDO:0013011, OMIM 612794.

Submissions (3):

Variantyx, Inc.
Classification: Likely pathogenic for Autosomal dominant ACTC1-related disorders. Last evaluated: 2025-04-21. Review status: criteria provided, single submitter. Criteria: Variantyx Assertion Criteria 2022. Collection method: clinical testing. Allele origin: de novo. Inheritance: Autosomal dominant inheritance. Affected: yes.
Comment: This is a nonsynonymous variant in the ACTC1 gene (OMIM: 102540). Pathogenic variants in this gene have been associated with autosomal dominant ACTC1-related disorders (PMID:10966831). Multiple computational algorithms predict a deleterious effect for this variant (REVEL score: 0.754) (PP3). This variant is absent from control populations (PM2). Based on the current evidence, this variant is classified as likely pathogenic for autosomal dominant ACTC1-related disorders.

Labcorp Genetics (formerly Invitae), Labcorp
Classification: Uncertain significance for Dilated cardiomyopathy 1R; Hypertrophic cardiomyopathy 11; Atrial septal defect 5. Last evaluated: 2022-09-01. Review status: criteria provided, single submitter. Criteria: Invitae Variant Classification Sherloc (09022015). Collection method: clinical testing. Allele origin: germline.
Comment: In summary, the available evidence is currently insufficient to determine the role of this variant in disease. Therefore, it has been classified as a Variant of Uncertain Significance. Algorithms developed to predict the effect of missense changes on protein structure and function (SIFT, PolyPhen-2, Align-GVGD) all suggest that this variant is likely to be disruptive. This variant has not been reported in the literature in individuals affected with ACTC1-related conditions. This variant is not present in population databases (gnomAD no frequency). This sequence change replaces alanine, which is neutral and non-polar, with threonine, which is neutral and polar, at codon 28 of the ACTC1 protein (p.Ala28Thr).

Blueprint Genetics
Classification: Uncertain significance. Last evaluated: 2021-05-05. Review status: criteria provided, single submitter. Criteria: ACMG Guidelines, 2015. Collection method: clinical testing. Allele origin: germline.

Literature cited by the submitters: PubMed 10966831 (cited by Variantyx, Inc.).

NM_005159.5(ACTC1):c.82G>A (p.Ala28Thr)

Genes: ACTC1 (actin alpha cardiac muscle 1; minus strand), GJD2-DT (GJD2 divergent transcript; plus strand). Cytogenetic location: 15q14.
Variant type: single nucleotide variant.
Coding change: c.82G>A on transcript NM_005159.5 (MANE Select); coding-DNA position 82, G replaced by A.
Protein change: p.Ala28Thr; replaces alanine 28 with threonine.
Molecular consequence: missense variant.
Genome position (GRCh38, 1-based): chr15:34,794,727, C>T on the plus strand (G>A on the coding strand, the complement: ACTC1 is on the minus strand). VCF-style: chr15-34794727-C-T. GRCh37 (hg19) VCF-style: chr15-35086928-C-T.
Other names: c.82G>A, p.Ala28Thr (NM_001406482.1, NM_001406483.1); short protein forms A28T.
Identifiers: ClinVar variation 2044985 (VCV002044985.6), dbSNP rs2504185511, ClinGen allele CA391633190.